The following is an entry in ClinVar:

ClinVar aggregate classification (germline): Uncertain significance (1 of 4 stars; one submission).

gnomAD v4.1: 19 of 1,613,718 alleles (0.0012%); highest among the groups gnomAD compares: East Asian, 0.0045%; no homozygotes.

Submission:

GeneDx
Classification: Uncertain significance. Last evaluated: 2024-08-07. Review status: criteria provided, single submitter. Criteria: GeneDx Variant Classification Process June 2021. Collection method: clinical testing. Allele origin: germline. Affected: yes.
Comment: Has not been previously published as pathogenic or benign to our knowledge; In silico analysis is inconclusive as to whether the variant alters gene splicing. In the absence of RNA/functional studies, the actual effect of this sequence change is unknown.

NM_144672.4(OTOA):c.120G>A (p.Ala40=)

Gene: OTOA (otoancorin). Cytogenetic location: 16p12.2.
Variant type: single nucleotide variant.
Coding change: c.120G>A on transcript NM_144672.4 (MANE Select); coding-DNA position 120, G replaced by A.
Protein change: p.Ala40=; no amino-acid change (alanine 40 retained).
Molecular consequence: synonymous variant.
Genome position (GRCh38, 1-based): chr16:21,678,943, G>A. VCF-style: chr16-21678943-G-A. GRCh37 (hg19) VCF-style: chr16-21690264-G-A.
Identifiers: ClinVar variation 3602960 (VCV003602960.1).